The following is an entry in ClinVar:

NM_001145252.3(CFP):c.97T>C (p.Phe33Leu)

Gene: CFP (complement factor properdin; minus strand). Cytogenetic location: Xp11.23.
Variant type: single nucleotide variant.
Coding change: c.97T>C on transcript NM_001145252.3 (MANE Select); coding-DNA position 97, T replaced by C.
Protein change: p.Phe33Leu; replaces phenylalanine 33 with leucine.
Molecular consequence: missense variant.
Genome position (GRCh38, 1-based): chrX:47,629,654, A>G on the plus strand (T>C on the coding strand, the complement: CFP is on the minus strand). VCF-style: chrX-47629654-A-G. GRCh37 (hg19) VCF-style: chrX-47489053-A-G.
Other names: c.97T>C, p.Phe33Leu (NM_002621.2); short protein forms F33L.
Identifiers: ClinVar variation 3693009 (VCV003693009.2).
Genomic context (GRCh38, chrX:47,629,654, plus strand): 5'-CGCTGACACCACCCCCCAGGAGGCCCTTGCACTTGCCGGAGGATTCTTCATACTGGGTGA[A>G]GCAGAGCACGGGGTCTGAGCCTGTAACAGGGCCAGGGGATGGGTGGGTGGGGCTCGGTCA-3'
Protein context (NP_001138724.1, residues 23-43): PATGSDPVLC[Phe33Leu]TQYEESSGKC

ClinVar aggregate classification (germline): Uncertain significance (1 of 4 stars; one submission).

gnomAD v4.1: 8 of 1,118,694 alleles (0.00072%); highest among the groups gnomAD compares: Non-Finnish European, 0.00024%; no homozygotes.

Submission:

Labcorp Genetics (formerly Invitae), Labcorp
Classification: Uncertain significance. Last evaluated: 2024-10-29. Review status: criteria provided, single submitter. Criteria: Invitae Variant Classification Sherloc (09022015). Collection method: clinical testing. Allele origin: germline.
Comment: This sequence change replaces phenylalanine, which is neutral and non-polar, with leucine, which is neutral and non-polar, at codon 33 of the CFP protein (p.Phe33Leu). The frequency data for this variant in the population databases is considered unreliable, as metrics indicate poor data quality at this position in the gnomAD database. This variant has not been reported in the literature in individuals affected with CFP-related conditions. An algorithm developed to predict the effect of missense changes on protein structure and function (PolyPhen-2) suggests that this variant is likely to be disruptive. In summary, the available evidence is currently insufficient to determine the role of this variant in disease. Therefore, it has been classified as a Variant of Uncertain Significance.